The following is an entry in ClinVar:

NM_007194.4(CHEK2):c.398del (p.Thr133fs)

Gene: CHEK2 (checkpoint kinase 2; minus strand). Cytogenetic location: 22q12.1.
Variant type: Deletion.
Coding change: c.398del on transcript NM_007194.4 (MANE Select); coding-DNA position 398, one base deleted (C; older notation c.398delC).
Protein change: p.Thr133fs; shifts the reading frame from threonine 133.
Molecular consequence: frameshift variant. On other transcripts: 5 prime UTR variant (2).
Genome position (GRCh38, 1-based): chr22:28,725,289, G deleted on the plus strand (C on the coding strand, the reverse complement: CHEK2 is on the minus strand). VCF-style (leftmost placement, unchanged base first): chr22-28725288-TG-T. GRCh37 (hg19) VCF-style: chr22-29121276-TG-T.
Other names: c.527del, p.Thr176fs (NM_001005735.3, NM_001438294.1); c.-380del (NM_001257387.3); c.398del, p.Thr133fs (NM_001349956.3, NM_145862.3); c.-266del (NM_001437942.1); c.491del, p.Thr164fs (NM_001438293.1, NM_001438295.1); short protein forms T133fs, T164fs, T176fs.
Identifiers: ClinVar variation 5042291 (VCV005042291.1).
Genomic context (GRCh38, chr22:28,725,288, plus strand): 5'-GTATTCATTACCTACCCTGAAAATCCGAAAGTGTTTCTTGCTGTATGTTCGGTATTTATC[TG>T]TTCTTTTCAGCAGTGGTTCATCAAAGCAATATTCACAGCTTTTGTCCCTCCCAAACCAGT-3'

ClinVar aggregate classification (germline): Pathogenic (1 of 4 stars; one submission).

Conditions:
Familial cancer of breast. Also called: BREAST CANCER, FAMILIAL; Hereditary breast cancer; hereditary breast carcinoma. Identifiers: Orphanet 227535, MedGen C0346153, MONDO:0016419, OMIM 114480. Disease mechanism: loss of function.

Submission:

Myriad Genetics, Inc.
Classification: Pathogenic for Familial cancer of breast. Last evaluated: 2026-09-16. Review status: criteria provided, single submitter. Criteria: Myriad Autosomal Dominant, Autosomal Recessive and X-Linked Classification Criteria (2023). Collection method: clinical testing. Allele origin: unknown.
Comment: This variant is considered pathogenic. This variant creates a frameshift predicted to result in premature protein truncation.